The following is an entry in ClinVar:

NM_001277115.2(DNAH11):c.13495G>A (p.Glu4499Lys)

Genes: CDCA7L (cell division cycle associated 7 like; minus strand), DNAH11 (dynein axonemal heavy chain 11; plus strand). Cytogenetic location: 7p15.3.
Variant type: single nucleotide variant.
Coding change: c.13495G>A on transcript NM_001277115.2 (MANE Select); coding-DNA position 13495, G replaced by A.
Protein change: p.Glu4499Lys; replaces glutamic acid 4499 with lysine.
Molecular consequence: missense variant. On other transcripts: 3 prime UTR variant (3).
Genome position (GRCh38, 1-based): chr7:21,901,198, G>A. VCF-style: chr7-21901198-G-A. GRCh37 (hg19) VCF-style: chr7-21940816-G-A.
Other names: c.*1124C>T (NM_001127370.3, NM_001127371.3, NM_018719.5); short protein forms E4499K.
Identifiers: ClinVar variation 226581 (VCV000226581.44), dbSNP rs143362381, ClinGen allele CA4183507.
Genomic context (GRCh38, chr7:21,901,198, plus strand): 5'-CCTGTGTATAGAACCAAACTGAGAGGCCCCAGCTACATCTGGACCTTCAGGCTGAAGAGC[G>A]AAGAGAAGACTGCAAAATGGGTTCTGGCTGGAGTGGCTCTGCTTCTAGAAGCGTAAGGTA-3'
Protein context (NP_001264044.1, residues 4489-4509): SYIWTFRLKS[Glu4499Lys]EKTAKWVLAG

ClinVar aggregate classification (germline): Benign/Likely benign. Review status: criteria provided, multiple submitters, no conflicts (2 of 4 stars). 8 submissions from 8 submitters: Benign (3); Likely benign (5). Last evaluated 2026-08-01.

Conditions:
Primary ciliary dyskinesia. Also called: Ciliary dyskinesia. Identifiers: Orphanet 244, MedGen C0008780, MONDO:0016575, HP:0012265.
Primary ciliary dyskinesia 7. Also called: CILIARY DYSKINESIA, PRIMARY, 7, WITH OR WITHOUT SITUS INVERSUS. Identifiers: Orphanet 244, MedGen C2678473, MONDO:0012748, OMIM 611884.

Allele frequency attached by ClinVar (database versions not stated): TOPMed 0.00193; ESP Exome Variant Server 0.00198; 1000 Genomes Project 30x 0.00281; 1000 Genomes Project 0.00300; ExAC 0.00401; gnomAD 0.00403; gnomAD exomes 0.00458.
gnomAD v4.1: 5,916 of 1,613,662 alleles (0.37%); highest among the groups gnomAD compares: Middle Eastern, 0.43%; 50 homozygotes.

Submissions (8):

CeGaT Center for Human Genetics Tuebingen
Classification: Likely benign. Last evaluated: 2026-08-01. Review status: criteria provided, single submitter. Criteria: CeGaT Center For Human Genetics Tuebingen Variant Classification Criteria Version 2. Collection method: clinical testing. Allele origin: germline. Affected: yes. Observed: 2 variant alleles.
Comment: DNAH11: BP4, BS2; CDCA7L: BS2

Labcorp Genetics (formerly Invitae), Labcorp
Classification: Benign for Primary ciliary dyskinesia. Last evaluated: 2026-02-03. Review status: criteria provided, single submitter. Criteria: Invitae Variant Classification Sherloc (09022015). Collection method: clinical testing. Allele origin: germline.

Blueprint Genetics
Classification: Likely benign. Last evaluated: 2024-11-22. Review status: criteria provided, single submitter. Criteria: ACMG Guidelines, 2015. Collection method: clinical testing. Allele origin: germline.

Fulgent Genetics
Classification: Likely benign for Primary ciliary dyskinesia 7. Last evaluated: 2021-10-26. Review status: criteria provided, single submitter. Criteria: ACMG Guidelines, 2015. Collection method: clinical testing. Allele origin: unknown.

Laboratory for Molecular Medicine, Mass General Brigham Personalized Medicine
Classification: Benign. Last evaluated: 2015-12-09. Review status: criteria provided, single submitter. Criteria: LMM Criteria. Collection method: clinical testing. Allele origin: germline. Observed: 1 variant allele.
Comment: p.Glu4499Lys in exon 82 of DNAH11: This variant has been identified in 2.48% (1 64/6614) of Finnish chromosomes by the Exome Aggregation Consortium (ExAC; dbSNP rs143362381).

Ambry Genetics
Classification: Benign for Primary ciliary dyskinesia. Last evaluated: 2015-11-30. Review status: criteria provided, single submitter. Criteria: Ambry Variant Classification Scheme 2023. Collection method: clinical testing. Allele origin: germline.

Breakthrough Genomics
Classification: Likely benign. Review status: criteria provided, single submitter. Criteria: ACMG Guidelines, 2015. Collection method: not provided. Allele origin: germline. Inheritance: Autosomal recessive inheritance. Affected: yes.

PreventionGenetics, part of Exact Sciences
Classification: Likely benign. Review status: criteria provided, single submitter. Criteria: ACMG Guidelines, 2015. Collection method: clinical testing. Allele origin: germline.

Literature cited by the submitters: PubMed 22184204 (cited by Laboratory for Molecular Medicine, Mass General Brigham Personalized Medicine).